The following is an entry in ClinVar:

ClinVar aggregate classification (germline): Uncertain significance. Review status: criteria provided, multiple submitters, no conflicts (2 of 4 stars). 2 submissions from 2 submitters: Uncertain significance (2). Last evaluated 2024-10-24.

Conditions:
Inborn genetic diseases. Identifiers: MedGen C0950123, MeSH D030342.

Allele frequency attached by ClinVar (database versions not stated): gnomAD exomes below 0.00001; ExAC 0.00001; gnomAD 0.00005; TOPMed 0.00008.

Submissions (2):

Ambry Genetics
Classification: Uncertain significance for Inborn genetic diseases. Last evaluated: 2024-10-24. Review status: criteria provided, single submitter. Criteria: Ambry Variant Classification Scheme 2023. Collection method: clinical testing. Allele origin: germline.

Labcorp Genetics (formerly Invitae), Labcorp
Classification: Uncertain significance. Last evaluated: 2022-08-09. Review status: criteria provided, single submitter. Criteria: Invitae Variant Classification Sherloc (09022015). Collection method: clinical testing. Allele origin: germline.
Comment: This sequence change replaces isoleucine, which is neutral and non-polar, with leucine, which is neutral and non-polar, at codon 5 of the YARS2 protein (p.Ile5Leu). This variant is present in population databases (rs778509656, gnomAD 0.007%). This variant has not been reported in the literature in individuals affected with YARS2-related conditions. Advanced modeling of protein sequence and biophysical properties (such as structural, functional, and spatial information, amino acid conservation, physicochemical variation, residue mobility, and thermodynamic stability) performed at Invitae indicates that this missense variant is not expected to disrupt YARS2 protein function. In summary, the available evidence is currently insufficient to determine the role of this variant in disease. Therefore, it has been classified as a Variant of Uncertain Significance.

NM_001040436.3(YARS2):c.13A>C (p.Ile5Leu)

Gene: YARS2 (tyrosyl-tRNA synthetase 2; minus strand). Cytogenetic location: 12p11.21.
Variant type: single nucleotide variant.
Coding change: c.13A>C on transcript NM_001040436.3 (MANE Select); coding-DNA position 13, A replaced by C.
Protein change: p.Ile5Leu; replaces isoleucine 5 with leucine.
Molecular consequence: missense variant.
Genome position (GRCh38, 1-based): chr12:32,755,862, T>G on the plus strand (A>C on the coding strand, the complement: YARS2 is on the minus strand). VCF-style: chr12-32755862-T-G. GRCh37 (hg19) VCF-style: chr12-32908796-T-G.
Other names: short protein forms I5L.
Identifiers: ClinVar variation 1923959 (VCV001923959.4), dbSNP rs778509656, ClinGen allele CA6508258.